The following is an entry in ClinVar:

ClinVar aggregate classification (germline): Conflicting classifications of pathogenicity. Review status: criteria provided, conflicting classifications (1 of 4 stars). 2 submissions from 2 submitters: Uncertain significance (1); Benign (1). Last evaluated 2025-11-24.

Conditions:
Hereditary spastic paraplegia 30. Identifiers: Orphanet 101010, MedGen C5235139, MONDO:0012476.
Neuropathy, hereditary sensory, type 2C. Also called: KIF1A-Related HSAN2 (HSAN2C); Hereditary sensory and autonomic neuropathy type IIC. Identifiers: Orphanet 970, MedGen C3280168, MONDO:0013634, OMIM 614213.
Intellectual disability, autosomal dominant 9 (NESCAVS). Also called: KIF1A-Related Neurodevelopmental Disorder; NESCAV SYNDROME. Identifiers: Orphanet 662367, MedGen C5393830, MONDO:0013656, OMIM 614255.

Allele frequency attached by ClinVar (database versions not stated): gnomAD exomes 0.00004; gnomAD 0.00005 and 0.00006; TOPMed 0.00005; ExAC 0.00006.
gnomAD v4.1: 19 of 1,598,802 alleles (0.0012%); highest among the groups gnomAD compares: African/African-American, 0.012%; no homozygotes.

Submissions (2):

Labcorp Genetics (formerly Invitae), Labcorp
Classification: Benign for Hereditary spastic paraplegia 30; Neuropathy, hereditary sensory, type 2C; Intellectual disability, autosomal dominant 9. Last evaluated: 2025-11-24. Review status: criteria provided, single submitter. Criteria: Invitae Variant Classification Sherloc (09022015). Collection method: clinical testing. Allele origin: germline.

GeneDx
Classification: Uncertain significance. Last evaluated: 2022-02-28. Review status: criteria provided, single submitter. Criteria: GeneDx Variant Classification Process June 2021. Collection method: clinical testing. Allele origin: germline. Affected: yes.
Comment: In silico analysis supports that this missense variant has a deleterious effect on protein structure/function; Has not been previously published as pathogenic or benign to our knowledge

NM_001244008.2(KIF1A):c.2078C>T (p.Pro693Leu)

Gene: KIF1A (kinesin family member 1A; minus strand). Cytogenetic location: 2q37.3.
Variant type: single nucleotide variant.
Coding change: c.2078C>T on transcript NM_001244008.2 (MANE Select); coding-DNA position 2078, C replaced by T.
Protein change: p.Pro693Leu; replaces proline 693 with leucine.
Molecular consequence: missense variant.
Genome position (GRCh38, 1-based): chr2:240,762,757, G>A on the plus strand (C>T on the coding strand, the complement: KIF1A is on the minus strand). VCF-style: chr2-240762757-G-A. GRCh37 (hg19) VCF-style: chr2-241702174-G-A.
Other names: c.2078C>T, p.Pro693Leu (NM_001320705.2, NM_001330289.2, NM_001379638.1); c.2153C>T, p.Pro718Leu (NM_001330290.2, NM_001379631.1, NM_001379634.1 and 2 more transcripts); c.2051C>T, p.Pro684Leu (NM_001379632.1, NM_001379633.1, NM_001379636.1 and 10 more transcripts); c.2126C>T, p.Pro709Leu (NM_001379637.1, NM_001379648.1); short protein forms P693L, P684L, P718L, P709L.
Identifiers: ClinVar variation 1494896 (VCV001494896.8), dbSNP rs756842462, ClinGen allele CA2208207.